The following is an entry in ClinVar:

ClinVar aggregate classification (germline): Likely pathogenic. Review status: criteria provided, multiple submitters, no conflicts (2 of 4 stars). 2 submissions from 2 submitters: Likely pathogenic (2). Last evaluated 2024-01-23.

Conditions:
Charcot-Marie-Tooth disease type 4K. Also called: CHARCOT-MARIE-TOOTH DISEASE, DEMYELINATING, AUTOSOMAL RECESSIVE, TYPE 4K; CHARCOT-MARIE-TOOTH NEUROPATHY, DEMYELINATING, AUTOSOMAL RECESSIVE, TYPE 4K; CHARCOT-MARIE-TOOTH DISEASE, DEMYELINATING, TYPE 4K. Identifiers: Orphanet 391351, MedGen C4225246, MONDO:0014733, OMIM 616684.
Mitochondrial complex IV deficiency, nuclear type 1 (MC4DN1). Also called: COX DEFICIENCY; Mitochondrial complex IV deficiency; Complex 4 mitochondrial respiratory chain deficiency; Deficiency of mitochondrial respiratory chain complex4; Complex IV deficiency. Identifiers: MedGen C5435656, MONDO:0700250, OMIM 220110. Disease mechanism: loss of function.

Submissions (2):

Fulgent Genetics
Classification: Likely pathogenic for Mitochondrial complex IV deficiency, nuclear type 1; Charcot-Marie-Tooth disease type 4K. Last evaluated: 2024-01-23. Review status: criteria provided, single submitter. Criteria: ACMG Guidelines, 2015. Collection method: clinical testing. Allele origin: germline.

GeneDx
Classification: Likely pathogenic. Last evaluated: 2019-09-27. Review status: criteria provided, single submitter. Criteria: GeneDx Variant Classification Process June 2021. Collection method: clinical testing. Allele origin: germline. Affected: yes.
Comment: Frameshift variant in the C-terminus predicted to result in protein truncation, as the last43] amino acids are lost and replaced with32 incorrect amino acids; Not observed in large population cohorts (Lek et al., 2016); This variant is associated with the following publications: (PMID: 29933018)

NM_003172.4(SURF1):c.771_773delinsG (p.Pro258fs)

Gene: SURF1 (SURF1 cytochrome c oxidase assembly factor; minus strand). Cytogenetic location: 9q34.2.
Variant type: Indel.
Coding change: c.771_773delinsG on transcript NM_003172.4 (MANE Select); coding-DNA positions 771 to 773, ACC replaced by G.
Protein change: p.Pro258fs; shifts the reading frame from proline 258.
Molecular consequence: frameshift variant.
Genome position (GRCh38, 1-based): chr9:133,352,121-133,352,123, GGT replaced by C on the plus strand (ACC replaced by G on the coding strand, the reverse complement: SURF1 is on the minus strand). VCF-style: chr9-133352121-GGT-C. GRCh37 (hg19) VCF-style: chr9-136218976-GGT-C.
Other names: c.444_446delinsG, p.Pro149fs (NM_001280787.1); c.771_773delACCinsG (NM_003172.2); short protein forms P258fs, P149fs.
Identifiers: ClinVar variation 430311 (VCV000430311.3), dbSNP rs1131691894, ClinGen allele CA645369418.